The following is an entry in ClinVar:

NM_003742.4(ABCB11):c.211C>T (p.Leu71Phe)

Gene: ABCB11 (ATP binding cassette subfamily B member 11; minus strand). Cytogenetic location: 2q31.1.
Variant type: single nucleotide variant.
Coding change: c.211C>T on transcript NM_003742.4 (MANE Select); coding-DNA position 211, C replaced by T.
Protein change: p.Leu71Phe; replaces leucine 71 with phenylalanine.
Molecular consequence: missense variant.
Genome position (GRCh38, 1-based): chr2:169,013,450, G>A on the plus strand (C>T on the coding strand, the complement: ABCB11 is on the minus strand). VCF-style: chr2-169013450-G-A. GRCh37 (hg19) VCF-style: chr2-169869960-G-A.
Other names: short protein forms L71F.
Identifiers: ClinVar variation 4995497 (VCV004995497.1).

ClinVar aggregate classification (germline): Uncertain significance (1 of 4 stars; one submission).

Conditions:
ABCB11-related disorder. Also called: ABCB11-related condition.

Submission:

PreventionGenetics, part of Exact Sciences
Classification: Uncertain significance for ABCB11-related condition. Last evaluated: 2025-11-19. Review status: criteria provided, single submitter. Criteria: ACMG Guidelines, 2015. Collection method: clinical testing. Allele origin: germline.
Comment: The ABCB11 c.211C>T variant is predicted to result in the amino acid substitution p.Leu71Phe. To our knowledge, this variant has not been reported in the literature. This variant is reported in 0.00089% of alleles in individuals of European (Non-Finnish) descent in gnomAD. At this time, the clinical significance of this variant is uncertain due to the absence of conclusive functional and genetic evidence.